The following is an entry in ClinVar:

NM_020247.5(COQ8A):c.240C>T (p.His80=)

Gene: COQ8A (coenzyme Q8A; plus strand). Cytogenetic location: 1q42.13.
Variant type: single nucleotide variant.
Coding change: c.240C>T on transcript NM_020247.5 (MANE Select); coding-DNA position 240, C replaced by T.
Protein change: p.His80=; no amino-acid change (histidine 80 retained).
Molecular consequence: synonymous variant.
Genome position (GRCh38, 1-based): chr1:226,965,062, C>T. VCF-style: chr1-226965062-C-T. GRCh37 (hg19) VCF-style: chr1-227152763-C-T.
Other names: p.His80=.
Identifiers: ClinVar variation 446798 (VCV000446798.16), dbSNP rs113667144, ClinGen allele CA1424968.

ClinVar aggregate classification (germline): Likely benign. Review status: criteria provided, multiple submitters, no conflicts (2 of 4 stars). 5 submissions from 5 submitters: Likely benign (5). Last evaluated 2026-02-03.

Allele frequency attached by ClinVar (database versions not stated): gnomAD exomes 0.00006 and 0.00013; ExAC 0.00018; 1000 Genomes Project 30x 0.00031; 1000 Genomes Project 0.00040; gnomAD 0.00062 and 0.00068; ESP Exome Variant Server 0.00069; TOPMed 0.00070.
gnomAD v4.1: 187 of 1,614,032 alleles (0.012%); highest among the groups gnomAD compares: African/African-American, 0.22%; no homozygotes.

Submissions (5):

Labcorp Genetics (formerly Invitae), Labcorp
Classification: Likely benign. Last evaluated: 2026-02-03. Review status: criteria provided, single submitter. Criteria: Invitae Variant Classification Sherloc (09022015). Collection method: clinical testing. Allele origin: germline.

Mayo Clinic Laboratories, Mayo Clinic
Classification: Likely benign. Last evaluated: 2025-07-17. Review status: criteria provided, single submitter. Criteria: ACMG Guidelines, 2015. Collection method: clinical testing. Allele origin: germline. Observed: 1 variant allele.
Comment: BP4, BP7

GeneDx
Classification: Likely benign. Last evaluated: 2021-09-01. Review status: criteria provided, single submitter. Criteria: GeneDx Variant Classification Process June 2021. Collection method: clinical testing. Allele origin: germline. Affected: yes.

Athena Diagnostics
Classification: Likely benign. Last evaluated: 2021-05-11. Review status: criteria provided, single submitter. Criteria: Athena Diagnostics criteria. Collection method: clinical testing. Allele origin: unknown.

Breakthrough Genomics
Classification: Likely benign. Review status: criteria provided, single submitter. Criteria: ACMG Guidelines, 2015. Collection method: not provided. Allele origin: germline. Inheritance: Autosomal recessive inheritance. Affected: yes.